The following is an entry in ClinVar:

NM_031407.7(HUWE1):c.12296G>A (p.Cys4099Tyr)

Gene: HUWE1 (HECT, UBA and WWE domain containing E3 ubiquitin protein ligase 1; minus strand). Cytogenetic location: Xp11.22.
Variant type: single nucleotide variant.
Coding change: c.12296G>A on transcript NM_031407.7 (MANE Select); coding-DNA position 12296, G replaced by A.
Protein change: p.Cys4099Tyr; replaces cysteine 4099 with tyrosine.
Molecular consequence: missense variant.
Genome position (GRCh38, 1-based): chrX:53,536,509, C>T on the plus strand (G>A on the coding strand, the complement: HUWE1 is on the minus strand). VCF-style: chrX-53536509-C-T. GRCh37 (hg19) VCF-style: chrX-53563470-C-T.
Other names: c.12248G>A, p.Cys4083Tyr (NM_001441048.1, NM_001441053.1, NM_001441058.1); c.12251G>A, p.Cys4084Tyr (NM_001441049.1, NM_001441054.1); c.12272G>A, p.Cys4091Tyr (NM_001441050.1, NM_001441055.1); c.12293G>A, p.Cys4098Tyr (NM_001441051.1, NM_001441056.1); c.11894G>A, p.Cys3965Tyr (NM_001441052.1); c.12296G>A, p.Cys4099Tyr (NM_001441057.1); short protein forms C3965Y, C4083Y, C4084Y, C4091Y, C4098Y, C4099Y.
Identifiers: ClinVar variation 4084974 (VCV004084974.8).
Genomic context (GRCh38, chrX:53,536,509, plus strand): 5'-TATACAGCTTTGGCCACAATGCGTCCGACAAACTTGAAGTAGCTGAGGTGGTTGGGGTTG[C>T]AGTGGGAAGATGGATTGATGGTGTAGGTGACTCGATCACCAGGTGAGGTACGGAACAAGG-3'
Protein context (NP_113584.3, residues 4089-4109): VTYTINPSSH[Cys4099Tyr]NPNHLSYFKF

ClinVar aggregate classification (germline): Uncertain significance (1 of 4 stars; one submission).

Submission:

CeGaT Center for Human Genetics Tuebingen
Classification: Uncertain significance. Last evaluated: 2026-03-01. Review status: criteria provided, single submitter. Criteria: CeGaT Center For Human Genetics Tuebingen Variant Classification Criteria Version 2. Collection method: clinical testing. Allele origin: germline. Affected: yes. Observed: 2 variant alleles.
Comment: HUWE1: PM1, PM2, PP2